The following is an entry in ClinVar:

ClinVar aggregate classification (germline): Pathogenic (1 of 4 stars; one submission).

Conditions:
3-methylglutaconic aciduria, type VIIB (MGCA7B). Also called: 3-methylglutaconic aciduria, type VII, with cataracts, neurologic involvement and neutropenia; CLPB Deficiency; 3-methylglutaconic aciduria with cataracts, neurologic involvement and neutropenia. Identifiers: Orphanet 445038, MedGen C5676893, MONDO:0014561, OMIM 616271.

Submission:

Labcorp Genetics (formerly Invitae), Labcorp
Classification: Pathogenic for 3-methylglutaconic aciduria, type VIIB. Last evaluated: 2024-02-02. Review status: criteria provided, single submitter. Criteria: Invitae Variant Classification Sherloc (09022015). Collection method: clinical testing. Allele origin: germline.
Comment: This sequence change creates a premature translational stop signal (p.Leu293Cysfs*19) in the CLPB gene. It is expected to result in an absent or disrupted protein product. Loss-of-function variants in CLPB are known to be pathogenic (PMID: 25597510, 28687938). This variant is not present in population databases (gnomAD no frequency). This variant has not been reported in the literature in individuals affected with CLPB-related conditions. For these reasons, this variant has been classified as Pathogenic.

Literature cited by the submitters: PubMed 25597510; PubMed 28687938.

NM_001258392.3(CLPB):c.787del (p.Leu263fs)

Gene: CLPB (ClpB family mitochondrial disaggregase; minus strand). Cytogenetic location: 11q13.4.
Variant type: Deletion.
Coding change: c.787del on transcript NM_001258392.3 (MANE Select); coding-DNA position 787, one base deleted (C; older notation c.787delC).
Protein change: p.Leu263fs; shifts the reading frame from leucine 263.
Molecular consequence: frameshift variant.
Genome position (GRCh38, 1-based): chr11:72,329,793, G deleted on the plus strand (C on the coding strand, the reverse complement: CLPB is on the minus strand); the first of 5 consecutive G bases (chr11:72,329,793-72,329,797); deleting any one gives the same sequence. VCF-style (leftmost placement, unchanged base first): chr11-72329792-AG-A. GRCh37 (hg19) VCF-style: chr11-72040836-AG-A.
Other names: c.700del, p.Leu234fs (NM_001258393.3); c.742del, p.Leu248fs (NM_001258394.3); c.877del, p.Leu293fs (NM_030813.6); short protein forms L263fs, L293fs, L248fs, L234fs.
Identifiers: ClinVar variation 3638533 (VCV003638533.2).